The following is an entry in ClinVar:

ClinVar aggregate classification (germline): Uncertain significance (1 of 4 stars; one submission).

Submission:

Ambry Genetics
Classification: Uncertain significance. Last evaluated: 2026-06-24. Review status: criteria provided, single submitter. Criteria: Ambry Variant Classification Scheme 2023. Collection method: clinical testing. Allele origin: germline.
Comment: The p.L1221V variant (also known as c.3661C>G), located in coding exon 6 of the MLH3 gene, results from a C to G substitution at nucleotide position 3661. The leucine at codon 1221 is replaced by valine, an amino acid with highly similar properties. This amino acid position is conserved. In addition, the in silico prediction for this alteration is inconclusive. Based on the available evidence, the clinical significance of this variant remains unclear.

NM_001040108.2(MLH3):c.3661C>G (p.Leu1221Val)

Gene: MLH3 (mutL homolog 3; minus strand). Cytogenetic location: 14q24.3.
Variant type: single nucleotide variant.
Coding change: c.3661C>G on transcript NM_001040108.2 (MANE Select); coding-DNA position 3661, C replaced by G.
Protein change: p.Leu1221Val; replaces leucine 1221 with valine.
Molecular consequence: missense variant. On other transcripts: intron variant (1).
Genome position (GRCh38, 1-based): chr14:75,033,473, G>C on the plus strand (C>G on the coding strand, the complement: MLH3 is on the minus strand). VCF-style: chr14-75033473-G-C. GRCh37 (hg19) VCF-style: chr14-75500176-G-C.
Other names: c.3644-1294C>G (NM_014381.3); short protein forms L1221V.
Identifiers: ClinVar variation 5024574 (VCV005024574.1).